The following is an entry in ClinVar:

NM_001267550.2(TTN):c.49698A>G (p.Thr16566=)

Genes: TTN-AS1 (TTN antisense RNA 1; plus strand), TTN (titin; minus strand). Cytogenetic location: 2q31.2.
Variant type: single nucleotide variant.
Coding change: c.49698A>G on transcript NM_001267550.2 (MANE Select); coding-DNA position 49698, A replaced by G.
Protein change: p.Thr16566=; no amino-acid change (threonine 16566 retained).
Molecular consequence: synonymous variant.
Genome position (GRCh38, 1-based): chr2:178,613,023, T>C on the plus strand (A>G on the coding strand, the complement: TTN is on the minus strand). VCF-style: chr2-178613023-T-C. GRCh37 (hg19) VCF-style: chr2-179477750-T-C.
Other names: c.44775A>G, p.Thr14925= (NM_001256850.1); c.22503A>G, p.Thr7501= (NM_003319.4); c.41994A>G, p.Thr13998= (NM_133378.4); c.22878A>G, p.Thr7626= (NM_133432.3); c.23079A>G, p.Thr7693= (NM_133437.4).
Identifiers: ClinVar variation 534978 (VCV000534978.5), dbSNP rs778112130, ClinGen allele CA1994530.
Genomic context (GRCh38, chr2:178,613,023, plus strand): 5'-ATAAGACTCAATCTTTGCACCTCCATCATGTTCTGGTTTTGTCCAATTCAACCTTACTGA[T>C]GTTTTGCCTACATCTTTTACAGTTGGTTTTCCAGGGGGCCATGGAGGATCTGCAAGCCAA-3'
Protein context (NP_001254479.2, residues 16556-16576): GKPTVKDVGK[Thr16566=]SVRLNWTKPE

ClinVar aggregate classification (germline): Conflicting classifications of pathogenicity. Review status: criteria provided, conflicting classifications (1 of 4 stars). 2 submissions from 2 submitters: Uncertain significance (1); Likely benign (1). Last evaluated 2019-10-04.

Conditions:
Autosomal recessive limb-girdle muscular dystrophy type 2J (LGMDR10). Also called: Limb-girdle muscular dystrophy, type 2J; MUSCULAR DYSTROPHY, LIMB-GIRDLE, AUTOSOMAL RECESSIVE 10. Identifiers: Orphanet 140922, MedGen C1837342, MONDO:0012127, OMIM 608807.
Dilated cardiomyopathy 1G (CMD1G). Identifiers: Orphanet 154, MedGen C1858763, MONDO:0011400, OMIM 604145.
Cardiovascular phenotype. Identifiers: MedGen CN230736.

Allele frequency attached by ClinVar (database versions not stated): gnomAD exomes 0.00001 and 0.00004; ExAC 0.00007.
gnomAD v4.1: 12 of 1,612,836 alleles (0.00074%); highest among the groups gnomAD compares: Admixed American, 0.0017%; no homozygotes.

Submissions (2):

Ambry Genetics
Classification: Likely benign for Cardiovascular phenotype. Last evaluated: 2019-10-04. Review status: criteria provided, single submitter. Criteria: Ambry Variant Classification Scheme 2023. Collection method: clinical testing. Allele origin: germline.

Labcorp Genetics (formerly Invitae), Labcorp
Classification: Uncertain significance for Dilated cardiomyopathy 1G; Autosomal recessive limb-girdle muscular dystrophy type 2J. Last evaluated: 2017-11-15. Review status: criteria provided, single submitter. Criteria: Invitae Variant Classification Sherloc (09022015). Collection method: clinical testing. Allele origin: germline.
Comment: This sequence change affects codon 16566 of the TTN mRNA. It is a 'silent' change, meaning that it does not change the encoded amino acid sequence of the TTN protein. This variant is present in population databases (rs778112130, ExAC 0.01%). This variant has not been reported in the literature in individuals with TTN-related disease. Algorithms developed to predict the effect of sequence changes on RNA splicing suggest that this variant may create or strengthen a splice site, but this prediction has not been confirmed by published transcriptional studies. This variant identified in the TTN gene is located in the A band of the resulting protein (PMID: 25589632). It is unclear how this variant impacts the function of this protein. In summary, the available evidence is currently insufficient to determine the role of this variant in disease. Therefore, it has been classified as a Variant of Uncertain Significance.

Literature cited by the submitters: PubMed 25589632 (cited by Labcorp Genetics (formerly Invitae), Labcorp).